The following is an entry in ClinVar:

NM_000077.5(CDKN2A):c.306_325del (p.Arg103fs)

Gene: CDKN2A (cyclin dependent kinase inhibitor 2A; minus strand). Cytogenetic location: 9p21.3.
Variant type: Deletion.
Coding change: c.306_325del on transcript NM_000077.5; coding-DNA positions 306 to 325, 20 bases deleted (GCGGCTGGACGTGCGCGATG).
Protein change: p.Arg103fs; shifts the reading frame from arginine 103.
Molecular consequence: frameshift variant (on NM_000077.6). On other transcripts: 3 prime UTR variant (1).
Genome position (GRCh38, 1-based): chr9:21,971,034-21,971,053, CATCGCGCACGTCCAGCCGC deleted on the plus strand (GCGGCTGGACGTGCGCGATG on the coding strand, the reverse complement: CDKN2A is on the minus strand). VCF-style (leftmost placement, unchanged base first): chr9-21971033-GCATCGCGCACGTCCAGCCGC-G. GRCh37 (hg19) VCF-style: chr9-21971032-GCATCGCGCACGTCCAGCCGC-G.
Other names: c.306_325del20, p.Arg103Leufs (NM_000077.6); c.306_325del, p.Arg103fs (NM_001195132.2); c.153_172del, p.Arg52fs (NM_001363763.2); c.349_368del, p.Ala117fs (NM_058195.4); c.*229_*248del (NM_058197.5); short protein forms A117fs, R103fs, R52fs.
Identifiers: ClinVar variation 4530102 (VCV004530102.1).

ClinVar aggregate classification (somatic clinical impact): Tier I - Strong (1 of 4 stars; one submission).

Conditions:
Embryonal rhabdomyosarcoma (ERMS). Also called: Botryoid rhabdomyosarcoma (type of ERMS); Spindle cell rhabdomyosarcomas (type of ERMS). Identifiers: Orphanet 99757, MedGen C0206656, MONDO:0009993, HP:0006743.

Submission:

Institute for Genomic Medicine (IGM) Clinical Laboratory, Nationwide Children's Hospital
Classification: Tier I - Strong for Embryonal rhabdomyosarcoma. Assertion type: diagnostic. Clinical significance: supports diagnosis. Last evaluated: 2022-11-18. Review status: criteria provided, single submitter. Criteria: AMP/ASCO/CAP Guidelines, 2017. Collection method: clinical testing. Allele origin: somatic. Affected: yes.
Comment: Variant has Tier I (strong) clinical significance as a diagnostic inclusion criterion in embryonal rhabdomyosarcoma, based on the following evidence: 1) Documented in one or more cancer databases (e.g., St. Jude Pecan, COSMIC, CIViC, OncoKB). 2) Appears in one or more well-established professional guidelines (e.g., World Health Organization [WHO]; National Comprehensive Cancer Network [NCCN]) as providing diagnostic, prognostic, or therapeutic information. 3) Diagnostic for a specific tumor type/classification based on well-powered studies with expert-level consensus (Evidence Level B; PMIDs: 26138366, 24436047, 21412928, 34166060, 8703847, 9660926, 35705560, 26349418).

Literature cited by the submitters: PubMed 26138366; PubMed 24436047; PubMed 21412928; PubMed 34166060; PubMed 8703847; PubMed 9660926; PubMed 35705560; PubMed 26349418.